The following is an entry in ClinVar:

ClinVar aggregate classification (germline): Uncertain significance (1 of 4 stars; one submission).

Conditions:
Glucose-6-phosphate transport defect (GSD1B). Also called: Glycogen Storage Disease Type Ib; GSD Ib. Identifiers: Orphanet 364, Orphanet 79259, MedGen C0268146, MONDO:0009288, OMIM 232220.

Submission:

Labcorp Genetics (formerly Invitae), Labcorp
Classification: Uncertain significance for Glucose-6-phosphate transport defect. Last evaluated: 2022-05-21. Review status: criteria provided, single submitter. Criteria: Invitae Variant Classification Sherloc (09022015). Collection method: clinical testing. Allele origin: germline.
Comment: In summary, the available evidence is currently insufficient to determine the role of this variant in disease. Therefore, it has been classified as a Variant of Uncertain Significance. Experimental studies and prediction algorithms are not available or were not evaluated, and the functional significance of this variant is currently unknown. This variant has not been reported in the literature in individuals affected with SLC37A4-related conditions. This variant is not present in population databases (gnomAD no frequency). This sequence change replaces tryptophan, which is neutral and slightly polar, with arginine, which is basic and polar, at codon 78 of the SLC37A4 protein (p.Trp78Arg).

NM_001164277.2(SLC37A4):c.232T>C (p.Trp78Arg)

Gene: SLC37A4 (solute carrier family 37 member 4; minus strand). Cytogenetic location: 11q23.3.
Variant type: single nucleotide variant.
Coding change: c.232T>C on transcript NM_001164277.2 (MANE Select); coding-DNA position 232, T replaced by C.
Protein change: p.Trp78Arg; replaces tryptophan 78 with arginine.
Molecular consequence: missense variant.
Genome position (GRCh38, 1-based): chr11:119,028,343, A>G on the plus strand (T>C on the coding strand, the complement: SLC37A4 is on the minus strand). VCF-style: chr11-119028343-A-G. GRCh37 (hg19) VCF-style: chr11-118899053-A-G.
Other names: c.232T>C, p.Trp78Arg (NM_001164278.2, NM_001164280.2, NM_001467.6); c.13T>C, p.Trp5Arg (NM_001164279.2); short protein forms W5R, W78R.
Identifiers: ClinVar variation 1997463 (VCV001997463.4), dbSNP rs1943638772, ClinGen allele CA382905816.
Genomic context (GRCh38, chr11:119,028,343, plus strand): 5'-AGCTCCAGGCAAAGAATATGTTGACCAGGCCAACCAGGAGCAGCCCAGAAGAGAAGAGCC[A>G]GCGAGCACTCATCTGGTCAGACAGCACCCCACTGACAAACTTGCTGATAGCATAAGCTGC-3'
Protein context (NP_001157749.1, residues 68-88): GVLSDQMSAR[Trp78Arg]LFSSGLLLVG